The following is an entry in ClinVar:

ClinVar aggregate classification (germline): Benign. Review status: criteria provided, multiple submitters, no conflicts (2 of 4 stars). 2 submissions from 2 submitters: Benign (2). Last evaluated 2026-02-02.

Allele frequency attached by ClinVar (database versions not stated): gnomAD exomes 0.00066 and 0.00188; ExAC 0.00231; gnomAD 0.00691 and 0.00742; ESP Exome Variant Server 0.00723; TOPMed 0.00790; 1000 Genomes Project 0.00879; 1000 Genomes Project 30x 0.00953.
gnomAD v4.1: 2,075 of 1,613,902 alleles (0.13%); highest among the groups gnomAD compares: African/African-American, 2.2%; 18 homozygotes.

Submissions (2):

Labcorp Genetics (formerly Invitae), Labcorp
Classification: Benign. Last evaluated: 2026-02-02. Review status: criteria provided, single submitter. Criteria: Invitae Variant Classification Sherloc (09022015). Collection method: clinical testing. Allele origin: germline.

GeneDx
Classification: Benign. Last evaluated: 2015-07-16. Review status: criteria provided, single submitter. Criteria: GeneDx Variant Classification (06012015). Collection method: clinical testing. Allele origin: germline. Affected: yes.
Comment: This variant is considered likely benign or benign based on one or more of the following criteria: it is a conservative change, it occurs at a poorly conserved position in the protein, it is predicted to be benign by multiple in silico algorithms, and/or has population frequency not consistent with disease.

NM_006059.4(LAMC3):c.374-16G>A

Gene: LAMC3 (laminin subunit gamma 3; plus strand). Cytogenetic location: 9q34.12.
Variant type: single nucleotide variant.
Coding change: c.374-16G>A on transcript NM_006059.4 (MANE Select); 16 bases into the intron before coding-DNA position 374, G replaced by A.
Molecular consequence: intron variant.
Genome position (GRCh38, 1-based): chr9:131,026,269, G>A. VCF-style: chr9-131026269-G-A. GRCh37 (hg19) VCF-style: chr9-133901656-G-A.
Identifiers: ClinVar variation 378064 (VCV000378064.9), dbSNP rs145283886, ClinGen allele CA5286673.
Genomic context (GRCh38, chr9:131,026,269, plus strand): 5'-CCGTCTGTCCTTCCTAGACCAGGATTCCATACCTCCTTCCCCTTCCATAAAATGGGCCCC[G>A]TTTTCCTGGCTGCAGGGAAGGCTTATGAGATCACGTATGTGAGGCTGAAGTTCCACACCA-3'